The following is an entry in ClinVar:

ClinVar aggregate classification (germline): Conflicting classifications of pathogenicity. Review status: criteria provided, conflicting classifications (1 of 4 stars). 4 submissions from 4 submitters: Pathogenic (1); Likely pathogenic (2); Uncertain significance (1). Last evaluated 2025-07-06.

Conditions:
2-aminoadipic 2-oxoadipic aciduria (AAKAD). Also called: ALPHA-AMINOADIPIC AND ALPHA-KETOADIPIC ACIDURIA; Aminoadipic aciduria. Identifiers: Orphanet 79154, MedGen C1859817, MONDO:0008774, OMIM 204750.
Charcot-Marie-Tooth disease axonal type 2Q. Also called: CHARCOT-MARIE-TOOTH DISEASE, AXONAL, AUTOSOMAL DOMINANT, TYPE 2Q; CHARCOT-MARIE-TOOTH NEUROPATHY, TYPE 2Q. Identifiers: Orphanet 329258, MedGen C3554366, MONDO:0014012, OMIM 615025.

Allele frequency attached by ClinVar (database versions not stated): TOPMed below 0.00001; gnomAD 0.00001.

Submissions (4):

Labcorp Genetics (formerly Invitae), Labcorp
Classification: Pathogenic for 2-aminoadipic 2-oxoadipic aciduria. Last evaluated: 2025-07-06. Review status: criteria provided, single submitter. Criteria: Invitae Variant Classification Sherloc (09022015). Collection method: clinical testing. Allele origin: germline.
Comment: This sequence change creates a premature translational stop signal (p.Arg834*) in the DHTKD1 gene. It is expected to result in an absent or disrupted protein product. Loss-of-function variants in DHTKD1 are known to be pathogenic (PMID: 23141293, 25860818). This variant is present in population databases (no rsID available, gnomAD 0.006%). This premature translational stop signal has been observed in individual(s) with clinical features of Charcot-Marie-Tooth disease and/or eosinophilic esophagitis (PMID: 25326637, 29669943). ClinVar contains an entry for this variant (Variation ID: 216917). For these reasons, this variant has been classified as Pathogenic.

GeneDx
Classification: Uncertain significance. Last evaluated: 2019-10-07. Review status: criteria provided, single submitter. Criteria: GeneDx Variant Classification Process June 2021. Collection method: clinical testing. Allele origin: germline. Affected: yes.
Comment: Nonsense variant predicted to result in protein truncation or nonsense mediated decay in a gene for which loss-of-function is a known mechanism of disease; This variant is associated with the following publications: (PMID: 25326637, 29669943)

UCLA Clinical Genomics Center, UCLA
Classification: Likely pathogenic for Charcot-Marie-Tooth disease, axonal, type 2Q. Last evaluated: 2013-05-07. Review status: criteria provided, single submitter. Criteria: Lee et al. (JAMA. 2014). Collection method: clinical testing. Allele origin: unknown. Inheritance: Autosomal dominant inheritance. Affected: yes. Study: CES.

Molecular Genetics Lab, CHRU Brest
Classification: Likely pathogenic for Charcot-Marie-Tooth disease axonal type 2Q; 2-aminoadipic 2-oxoadipic aciduria. Review status: criteria provided, single submitter. Criteria: ACMG Guidelines, 2015. Collection method: clinical testing. Allele origin: maternal. Affected: yes.

Literature cited by the submitters: PubMed 23141293 (cited by Labcorp Genetics (formerly Invitae), Labcorp); PubMed 25860818 (cited by Labcorp Genetics (formerly Invitae), Labcorp); PubMed 25326637 (cited by Labcorp Genetics (formerly Invitae), Labcorp); PubMed 29669943 (cited by Labcorp Genetics (formerly Invitae), Labcorp).

NM_018706.7(DHTKD1):c.2500C>T (p.Arg834Ter)

Gene: DHTKD1 (dehydrogenase E1 and transketolase domain containing 1; plus strand). Cytogenetic location: 10p14.
Variant type: single nucleotide variant.
Coding change: c.2500C>T on transcript NM_018706.7 (MANE Select); coding-DNA position 2500, C replaced by T.
Protein change: p.Arg834Ter; replaces arginine 834 with a stop codon.
Molecular consequence: nonsense.
Genome position (GRCh38, 1-based): chr10:12,118,846, C>T. VCF-style: chr10-12118846-C-T. GRCh37 (hg19) VCF-style: chr10-12160845-C-T.
Other names: short protein forms R834*.
Identifiers: ClinVar variation 216917 (VCV000216917.10), dbSNP rs770649540, ClinGen allele CA210029.
Genomic context (GRCh38, chr10:12,118,846, plus strand): 5'-TACTCCCTGGTGAAACAAAGAGAATCTCTGGGGGCCAAGAAGCATGACTTTGCCATCATC[C>T]GAGTAGAGGAACTCTGCCCCTTCCCGTTGGATTCTTTACAGCAAGAGATGAGCAAATACA-3'